The following is an entry in ClinVar:

NM_005297.4(MCHR1):c.743G>A (p.Arg248Gln)

Gene: MCHR1 (melanin concentrating hormone receptor 1; plus strand). Cytogenetic location: 22q13.2.
Variant type: single nucleotide variant.
Coding change: c.743G>A on transcript NM_005297.4 (MANE Select); coding-DNA position 743, G replaced by A.
Protein change: p.Arg248Gln; replaces arginine 248 with glutamine.
Molecular consequence: missense variant.
Genome position (GRCh38, 1-based): chr22:40,681,609, G>A. VCF-style: chr22-40681609-G-A. GRCh37 (hg19) VCF-style: chr22-41077613-G-A.
Other names: short protein forms R248Q.
Identifiers: ClinVar variation 3060391 (VCV003060391.21), dbSNP rs45439291, ClinGen allele CA10250316.

ClinVar aggregate classification (germline): Likely benign. Review status: criteria provided, single submitter (1 of 4 stars). 2 submissions from 2 submitters: Likely benign (1). 1 of the submissions does not count toward it. Last evaluated 2024-04-01.

Conditions:
MCHR1-related disorder. Also called: MCHR1-related condition.

Allele frequency attached by ClinVar (database versions not stated): 1000 Genomes Project 30x 0.00125; 1000 Genomes Project 0.00140; ESP Exome Variant Server 0.00277; TOPMed 0.00314; gnomAD 0.00316; gnomAD exomes 0.00360; ExAC 0.00383.
gnomAD v4.1: 5,765 of 1,614,132 alleles (0.36%); highest among the groups gnomAD compares: Non-Finnish European, 0.41%; 14 homozygotes.

Submissions (2):

CeGaT Center for Human Genetics Tuebingen
Classification: Likely benign. Last evaluated: 2024-04-01. Review status: criteria provided, single submitter. Criteria: CeGaT Center For Human Genetics Tuebingen Variant Classification Criteria Version 2. Collection method: clinical testing. Allele origin: germline. Affected: yes. Observed: 1 variant allele.
Comment: MCHR1: BS2

PreventionGenetics, part of Exact Sciences
Classification: Likely benign for MCHR1-related condition. Last evaluated: 2020-06-15. Review status: no assertion criteria provided. Collection method: clinical testing. Allele origin: germline. Not counted in ClinVar's aggregate classification.
Comment: This variant is classified as likely benign based on ACMG/AMP sequence variant interpretation guidelines (Richards et al. 2015 PMID: 25741868, with internal and published modifications).